The following is an entry in ClinVar:

NM_173851.3(SLC30A8):c.1080C>T (p.Asp360=)

Gene: SLC30A8 (solute carrier family 30 member 8; plus strand). Cytogenetic location: 8q24.11.
Variant type: single nucleotide variant.
Coding change: c.1080C>T on transcript NM_173851.3 (MANE Select); coding-DNA position 1080, C replaced by T.
Protein change: p.Asp360=; no amino-acid change (aspartic acid 360 retained).
Molecular consequence: synonymous variant.
Genome position (GRCh38, 1-based): chr8:117,172,651, C>T. VCF-style: chr8-117172651-C-T. GRCh37 (hg19) VCF-style: chr8-118184890-C-T.
Other names: c.933C>T, p.Asp311= (NM_001172811.2, NM_001172813.2, NM_001172814.2 and 1 more transcripts).
Identifiers: ClinVar variation 2658774 (VCV002658774.24), dbSNP rs1304454124, ClinGen allele CA462469149.

ClinVar aggregate classification (germline): Likely benign (1 of 4 stars; one submission).

gnomAD v4.1: 3 of 1,613,730 alleles (0.00019%); highest among the groups gnomAD compares: South Asian, 0.0022%; no homozygotes.

Submission:

CeGaT Center for Human Genetics Tuebingen
Classification: Likely benign. Last evaluated: 2023-04-01. Review status: criteria provided, single submitter. Criteria: CeGaT Center For Human Genetics Tuebingen Variant Classification Criteria Version 2. Collection method: clinical testing. Allele origin: germline. Affected: yes. Observed: 1 variant allele.
Comment: SLC30A8: BP4, BP7